The following is an entry in ClinVar:

ClinVar aggregate classification (germline): Uncertain significance (1 of 4 stars; one submission).

Submission:

Ambry Genetics
Classification: Uncertain significance. Last evaluated: 2026-03-31. Review status: criteria provided, single submitter. Criteria: Ambry Variant Classification Scheme 2023. Collection method: clinical testing. Allele origin: germline.
Comment: The c.366dupA variant, located in coding exon 1 of the MLH3 gene, results from a duplication of A at nucleotide position 366, causing a translational frameshift with a predicted alternate stop codon (p.L123Tfs*12). Based on the available evidence, the clinical significance of this variant remains unclear.

NM_001040108.2(MLH3):c.366dup (p.Leu123fs)

Gene: MLH3 (mutL homolog 3; minus strand). Cytogenetic location: 14q24.3.
Variant type: Duplication.
Coding change: c.366dup on transcript NM_001040108.2 (MANE Select); coding-DNA position 366, one base duplicated (A; older notation c.366dupA).
Protein change: p.Leu123fs; shifts the reading frame from leucine 123.
Molecular consequence: frameshift variant.
Genome position (GRCh38, 1-based): chr14:75,049,290, T duplicated on the plus strand (A on the coding strand, the reverse complement: MLH3 is on the minus strand); the first of 3 consecutive T bases (chr14:75,049,290-75,049,292); duplicating any one gives the same sequence. VCF-style (leftmost placement, unchanged base first): chr14-75049289-G-GT. GRCh37 (hg19) VCF-style: chr14-75515992-G-GT.
Other names: c.366dupA (NM_001040108.1); c.366dup, p.Leu123fs (NM_014381.3); short protein forms L123fs.
Identifiers: ClinVar variation 4860176 (VCV004860176.1).